The following is an entry in ClinVar:

NM_058216.3(RAD51C):c.104C>T (p.Ala35Val)

Gene: RAD51C (RAD51 paralog C; plus strand). Cytogenetic location: 17q22.
Variant type: single nucleotide variant.
Coding change: c.104C>T on transcript NM_058216.3 (MANE Select); coding-DNA position 104, C replaced by T.
Protein change: p.Ala35Val; replaces alanine 35 with valine.
Molecular consequence: missense variant. On other transcripts: non-coding transcript variant (1).
Genome position (GRCh38, 1-based): chr17:58,692,747, C>T. VCF-style: chr17-58692747-C-T. GRCh37 (hg19) VCF-style: chr17-56770108-C-T.
Other names: c.104C>T (NM_058216.1); c.104C>T, p.Ala35Val (NM_002876.4); short protein forms A35V.
Identifiers: ClinVar variation 848200 (VCV000848200.10), dbSNP rs1555592011, ClinGen allele CA400337391.

ClinVar aggregate classification (germline): Uncertain significance. Review status: criteria provided, multiple submitters, no conflicts (2 of 4 stars). 2 submissions from 2 submitters: Uncertain significance (2). Last evaluated 2025-06-12.

Conditions:
Hereditary cancer-predisposing syndrome. Also called: Neoplastic Syndromes, Hereditary; Hereditary Cancer Syndrome; Hereditary neoplastic syndrome; Tumor predisposition. Identifiers: Orphanet 140162, MedGen C0027672, MeSH D009386, MONDO:0015356.
Fanconi anemia complementation group O. Also called: RAD51C-Related Fanconi Anemia. Identifiers: Orphanet 84, MedGen C3150653, MONDO:0013248, OMIM 613390.

Submissions (2):

Ambry Genetics
Classification: Uncertain significance for Hereditary cancer-predisposing syndrome. Last evaluated: 2025-06-12. Review status: criteria provided, single submitter. Criteria: Ambry Variant Classification Scheme 2023. Collection method: clinical testing. Allele origin: germline.
Comment: The p.A35V variant (also known as c.104C>T), located in coding exon 1 of the RAD51C gene, results from a C to T substitution at nucleotide position 104. The alanine at codon 35 is replaced by valine, an amino acid with similar properties. This amino acid position is conserved. In addition, this alteration is predicted to be tolerated by in silico analysis. Based on the available evidence, the clinical significance of this variant remains unclear.

Labcorp Genetics (formerly Invitae), Labcorp
Classification: Uncertain significance for Fanconi anemia complementation group O. Last evaluated: 2021-07-28. Review status: criteria provided, single submitter. Criteria: Invitae Variant Classification Sherloc (09022015). Collection method: clinical testing. Allele origin: germline.
Comment: In summary, the available evidence is currently insufficient to determine the role of this variant in disease. Therefore, it has been classified as a Variant of Uncertain Significance. Algorithms developed to predict the effect of missense changes on protein structure and function (SIFT, PolyPhen-2, Align-GVGD) all suggest that this variant is likely to be tolerated, but these predictions have not been confirmed by published functional studies and their clinical significance is uncertain. This variant has not been reported in the literature in individuals with RAD51C-related conditions. This variant is not present in population databases (ExAC no frequency). This sequence change replaces alanine with valine at codon 35 of the RAD51C protein (p.Ala35Val). The alanine residue is moderately conserved and there is a small physicochemical difference between alanine and valine.